The following is an entry in ClinVar:

NM_018136.5(ASPM):c.9250G>A (p.Val3084Ile)

Gene: ASPM (assembly factor for spindle microtubules; minus strand). Cytogenetic location: 1q31.3.
Variant type: single nucleotide variant.
Coding change: c.9250G>A on transcript NM_018136.5 (MANE Select); coding-DNA position 9250, G replaced by A.
Protein change: p.Val3084Ile; replaces valine 3084 with isoleucine.
Molecular consequence: missense variant.
Genome position (GRCh38, 1-based): chr1:197,093,096, C>T on the plus strand (G>A on the coding strand, the complement: ASPM is on the minus strand). VCF-style: chr1-197093096-C-T. GRCh37 (hg19) VCF-style: chr1-197062226-C-T.
Other names: c.4495G>A, p.Val1499Ile (NM_001206846.2); short protein forms V3084I, V1499I.
Identifiers: ClinVar variation 2180477 (VCV002180477.8), dbSNP rs139097869, ClinGen allele CA1309005.

ClinVar aggregate classification (germline): Uncertain significance. Review status: criteria provided, multiple submitters, no conflicts (2 of 4 stars). 4 submissions from 4 submitters: Uncertain significance (4). Last evaluated 2025-07-14.

Conditions:
ASPM-related disorder. Also called: ASPM-related condition.
Microcephaly 5, primary, autosomal recessive (MCPH5). Also called: ASPM Primary Microcephaly. Identifiers: Orphanet 2512, MedGen C1837501, MONDO:0012106, OMIM 608716.
Inborn genetic diseases. Identifiers: MedGen C0950123, MeSH D030342.

Allele frequency attached by ClinVar (database versions not stated): gnomAD exomes 0.00002; ExAC 0.00006; ESP Exome Variant Server 0.00008; gnomAD 0.00011; TOPMed 0.00014.

Submissions (4):

Labcorp Genetics (formerly Invitae), Labcorp
Classification: Uncertain significance. Last evaluated: 2025-07-14. Review status: criteria provided, single submitter. Criteria: Invitae Variant Classification Sherloc (09022015). Collection method: clinical testing. Allele origin: germline.
Comment: This sequence change replaces valine, which is neutral and non-polar, with isoleucine, which is neutral and non-polar, at codon 3084 of the ASPM protein (p.Val3084Ile). This variant is present in population databases (rs139097869, gnomAD 0.05%). This variant has not been reported in the literature in individuals affected with ASPM-related conditions. ClinVar contains an entry for this variant (Variation ID: 2180477). An algorithm developed to predict the effect of missense changes on protein structure and function outputs the following: PolyPhen-2: "Benign". The isoleucine amino acid residue is found in multiple mammalian species, which suggests that this missense change does not adversely affect protein function. In summary, the available evidence is currently insufficient to determine the role of this variant in disease. Therefore, it has been classified as a Variant of Uncertain Significance.

PreventionGenetics, part of Exact Sciences
Classification: Uncertain significance for ASPM-related condition. Last evaluated: 2024-11-25. Review status: criteria provided, single submitter. Criteria: ACMG Guidelines, 2015. Collection method: clinical testing. Allele origin: germline.
Comment: The ASPM c.9250G>A variant is predicted to result in the amino acid substitution p.Val3084Ile. To our knowledge, this variant has not been reported in the literature. This variant is reported in 0.048% of alleles in individuals of African descent in gnomAD. At this time, the clinical significance of this variant is uncertain due to the absence of conclusive functional and genetic evidence.

Ambry Genetics
Classification: Uncertain significance for Inborn genetic diseases. Last evaluated: 2024-08-20. Review status: criteria provided, single submitter. Criteria: Ambry Variant Classification Scheme 2023. Collection method: clinical testing. Allele origin: germline.

Genome-Nilou Lab
Classification: Uncertain significance for Microcephaly 5, primary, autosomal recessive. Last evaluated: 2023-04-11. Review status: criteria provided, single submitter. Criteria: ACMG Guidelines, 2015. Collection method: clinical testing. Allele origin: germline. Affected: no.